The following is an entry in ClinVar:

NM_000330.4(RS1):c.654G>C (p.Glu218Asp)

Genes: CDKL5 (cyclin dependent kinase like 5; plus strand), RS1 (retinoschisin 1; minus strand). Cytogenetic location: Xp22.13.
Variant type: single nucleotide variant.
Coding change: c.654G>C on transcript NM_000330.4 (MANE Select); coding-DNA position 654, G replaced by C.
Protein change: p.Glu218Asp; replaces glutamic acid 218 with aspartic acid.
Molecular consequence: missense variant. On other transcripts: intron variant (2).
Genome position (GRCh38, 1-based): chrX:18,642,025, C>G on the plus strand (G>C on the coding strand, the complement: RS1 is on the minus strand). VCF-style: chrX-18642025-C-G. GRCh37 (hg19) VCF-style: chrX-18660145-C-G.
Other names: c.2714-3982C>G (NM_003159.3, NM_001037343.2); short protein forms E218D.
Identifiers: ClinVar variation 1476227 (VCV001476227.9), dbSNP rs2147188867, ClinGen allele CA412370073.

ClinVar aggregate classification (germline): Uncertain significance (1 of 4 stars; one submission).

Submission:

Labcorp Genetics (formerly Invitae), Labcorp
Classification: Uncertain significance. Last evaluated: 2021-06-18. Review status: criteria provided, single submitter. Criteria: Invitae Variant Classification Sherloc (09022015). Collection method: clinical testing. Allele origin: germline.
Comment: In summary, the available evidence is currently insufficient to determine the role of this variant in disease. Therefore, it has been classified as a Variant of Uncertain Significance. Algorithms developed to predict the effect of missense changes on protein structure and function (SIFT, PolyPhen-2, Align-GVGD) all suggest that this variant is likely to be tolerated, but these predictions have not been confirmed by published functional studies and their clinical significance is uncertain. This variant has not been reported in the literature in individuals with RS1-related conditions. This variant is not present in population databases (ExAC no frequency). This sequence change replaces glutamic acid with aspartic acid at codon 218 of the RS1 protein (p.Glu218Asp). The glutamic acid residue is highly conserved and there is a small physicochemical difference between glutamic acid and aspartic acid.